The following is an entry in ClinVar:

NM_001267550.2(TTN):c.91611T>G (p.Ile30537Met)

Genes: TTN (titin; minus strand), TTN-AS1 (TTN antisense RNA 1; plus strand). Cytogenetic location: 2q31.2.
Variant type: single nucleotide variant.
Coding change: c.91611T>G on transcript NM_001267550.2 (MANE Select); coding-DNA position 91611, T replaced by G.
Protein change: p.Ile30537Met; replaces isoleucine 30537 with methionine.
Molecular consequence: missense variant.
Genome position (GRCh38, 1-based): chr2:178,550,227, A>C on the plus strand (T>G on the coding strand, the complement: TTN is on the minus strand). VCF-style: chr2-178550227-A-C. GRCh37 (hg19) VCF-style: chr2-179414954-A-C.
Other names: c.86688T>G, p.Ile28896Met (NM_001256850.1); c.64416T>G, p.Ile21472Met (NM_003319.4); c.83907T>G, p.Ile27969Met (NM_133378.4); c.64791T>G, p.Ile21597Met (NM_133432.3); c.64992T>G, p.Ile21664Met (NM_133437.4); short protein forms I28896M, I30537M, I21664M, I21472M, I21597M, I27969M.
Identifiers: ClinVar variation 513861 (VCV000513861.1), dbSNP rs1553536409, ClinGen allele CA349499650.

ClinVar aggregate classification (germline): Likely benign (1 of 4 stars; one submission).

Submission:

GeneDx
Classification: Likely benign. Last evaluated: 2017-11-29. Review status: criteria provided, single submitter. Criteria: GeneDx Variant Classification (06012015). Collection method: clinical testing. Allele origin: germline. Affected: yes.
Comment: This variant is considered likely benign or benign based on one or more of the following criteria: it is a conservative change, it occurs at a poorly conserved position in the protein, it is predicted to be benign by multiple in silico algorithms, and/or has population frequency not consistent with disease.